The following is an entry in ClinVar:

ClinVar aggregate classification (germline): Uncertain significance (1 of 4 stars; one submission).

Submission:

Labcorp Genetics (formerly Invitae), Labcorp
Classification: Uncertain significance. Last evaluated: 2025-06-24. Review status: criteria provided, single submitter. Criteria: Invitae Variant Classification Sherloc (09022015). Collection method: clinical testing. Allele origin: germline.
Comment: This sequence change replaces serine, which is neutral and polar, with cysteine, which is neutral and slightly polar, at codon 338 of the IKZF1 protein (p.Ser338Cys). This variant is not present in population databases (gnomAD no frequency). This variant has not been reported in the literature in individuals affected with IKZF1-related conditions. An algorithm developed to predict the effect of missense changes on protein structure and function (PolyPhen-2) suggests that this variant is likely to be disruptive. In summary, the available evidence is currently insufficient to determine the role of this variant in disease. Therefore, it has been classified as a Variant of Uncertain Significance.

NM_006060.6(IKZF1):c.1013C>G (p.Ser338Cys)

Gene: IKZF1 (IKAROS family zinc finger 1; plus strand). Cytogenetic location: 7p12.2.
Variant type: single nucleotide variant.
Coding change: c.1013C>G on transcript NM_006060.6 (MANE Select); coding-DNA position 1013, C replaced by G.
Protein change: p.Ser338Cys; replaces serine 338 with cysteine.
Molecular consequence: missense variant.
Genome position (GRCh38, 1-based): chr7:50,400,080, C>G. VCF-style: chr7-50400080-C-G. GRCh37 (hg19) VCF-style: chr7-50467778-C-G.
Other names: c.887C>G, p.Ser296Cys (NM_001220765.3, NM_001291837.2); c.722C>G, p.Ser241Cys (NM_001220767.2); c.752C>G, p.Ser251Cys (NM_001220768.2, NM_001291838.2); c.596C>G, p.Ser199Cys (NM_001220770.2); c.584C>G, p.Ser195Cys (NM_001220771.2, NM_001291841.1); c.626C>G, p.Ser209Cys (NM_001291839.2); c.323C>G, p.Ser108Cys (NM_001291840.1); c.554C>G, p.Ser185Cys (NM_001291842.1); and 3 more; short protein forms S108C, S185C, S195C, S251C, S338C, S358C, S153C, S296C.
Identifiers: ClinVar variation 4722081 (VCV004722081.1).